The following is an entry in ClinVar:

NM_004260.4(RECQL4):c.2576G>C (p.Arg859Thr)

Gene: RECQL4 (RecQ like helicase 4; minus strand). Cytogenetic location: 8q24.3.
Variant type: single nucleotide variant.
Coding change: c.2576G>C on transcript NM_004260.4 (MANE Select); coding-DNA position 2576, G replaced by C.
Protein change: p.Arg859Thr; replaces arginine 859 with threonine.
Molecular consequence: missense variant. On other transcripts: non-coding transcript variant (3).
Genome position (GRCh38, 1-based): chr8:144,513,026, C>G on the plus strand (G>C on the coding strand, the complement: RECQL4 is on the minus strand). VCF-style: chr8-144513026-C-G. GRCh37 (hg19) VCF-style: chr8-145738409-C-G.
Other names: c.2282G>C, p.Arg761Thr (NM_001413017.1); c.2378G>C, p.Arg793Thr (NM_001413018.1); c.2576G>C, p.Arg859Thr (NM_001413019.1, NM_001413036.1); c.2480G>C, p.Arg827Thr (NM_001413020.1); c.1505G>C, p.Arg502Thr (NM_001413021.1, NM_001413022.1, NM_001413023.1 and 5 more transcripts); c.2447G>C, p.Arg816Thr (NM_001413025.1); c.1439G>C, p.Arg480Thr (NM_001413027.1, NM_001413030.1, NM_001413032.1 and 1 more transcripts); c.2225G>C, p.Arg742Thr (NM_001413029.1); and 6 more; short protein forms R370T, R458T, R480T, R502T, R815T, R816T, R827T, R492T.
Identifiers: ClinVar variation 2752635 (VCV002752635.3), dbSNP rs2538001117, ClinGen allele CA372677000.

ClinVar aggregate classification (germline): Uncertain significance (1 of 4 stars; one submission).

Conditions:
Baller-Gerold syndrome (BGS). Also called: CRANIOSYNOSTOSIS WITH RADIAL DEFECTS. Identifiers: Orphanet 1225, MedGen C0265308, MONDO:0009039, OMIM 218600.

Submission:

Labcorp Genetics (formerly Invitae), Labcorp
Classification: Uncertain significance for Baller-Gerold syndrome. Last evaluated: 2023-08-16. Review status: criteria provided, single submitter. Criteria: Invitae Variant Classification Sherloc (09022015). Collection method: clinical testing. Allele origin: germline.
Comment: This variant is not present in population databases (gnomAD no frequency). This sequence change replaces arginine, which is basic and polar, with threonine, which is neutral and polar, at codon 859 of the RECQL4 protein (p.Arg859Thr). This variant has not been reported in the literature in individuals affected with RECQL4-related conditions. In summary, the available evidence is currently insufficient to determine the role of this variant in disease. Therefore, it has been classified as a Variant of Uncertain Significance. Advanced modeling of protein sequence and biophysical properties (such as structural, functional, and spatial information, amino acid conservation, physicochemical variation, residue mobility, and thermodynamic stability) performed at Invitae indicates that this missense variant is not expected to disrupt RECQL4 protein function.